The following is an entry in ClinVar:

NM_001350162.2(TEX15):c.7963G>A (p.Glu2655Lys)

Gene: TEX15 (testis expressed 15, meiosis and synapsis associated; minus strand). Cytogenetic location: 8p12.
Variant type: single nucleotide variant.
Coding change: c.7963G>A on transcript NM_001350162.2 (MANE Select); coding-DNA position 7963, G replaced by A.
Protein change: p.Glu2655Lys; replaces glutamic acid 2655 with lysine.
Molecular consequence: missense variant.
Genome position (GRCh38, 1-based): chr8:30,842,204, C>T on the plus strand (G>A on the coding strand, the complement: TEX15 is on the minus strand). VCF-style: chr8-30842204-C-T. GRCh37 (hg19) VCF-style: chr8-30699720-C-T.
Other names: c.6814G>A, p.Glu2272Lys (NM_031271.3); short protein forms E2655K, E2272K.
Identifiers: ClinVar variation 3176335 (VCV003176335.20), dbSNP rs775254754, ClinGen allele CA4702436.
Genomic context (GRCh38, chr8:30,842,204, plus strand): 5'-TAGAAATACTAAATTTATTGTTATTTTCCCCAGGTTTTACAATATGAATATTCATTTTTT[C>T]TTTTCTCTTCAGCTGTAAAATCTTCCTTCTGTTATACAGCATTTGGCATAGGAAAAAGGA-3'
Protein context (NP_001337091.1, residues 2645-2665): RRKILQLKRK[Glu2655Lys]KMNIHIVKPG

ClinVar aggregate classification (germline): Uncertain significance. Review status: criteria provided, multiple submitters, no conflicts (2 of 4 stars). 2 submissions from 2 submitters: Uncertain significance (2). Last evaluated 2024-05-01.

Allele frequency attached by ClinVar (database versions not stated): gnomAD 0.00001; ExAC 0.00002; gnomAD exomes 0.00004.
gnomAD v4.1: 62 of 1,609,746 alleles (0.0039%); highest among the groups gnomAD compares: Middle Eastern, 0.05%; 1 homozygote.

Submissions (2):

CeGaT Center for Human Genetics Tuebingen
Classification: Uncertain significance. Last evaluated: 2024-05-01. Review status: criteria provided, single submitter. Criteria: CeGaT Center For Human Genetics Tuebingen Variant Classification Criteria Version 2. Collection method: clinical testing. Allele origin: germline. Affected: yes. Observed: 1 variant allele.
Comment: TEX15: PM2, BP4

Ambry Genetics
Classification: Uncertain significance. Last evaluated: 2023-12-27. Review status: criteria provided, single submitter. Criteria: Ambry Variant Classification Scheme 2023. Collection method: clinical testing. Allele origin: germline.